The following is an entry in ClinVar:

ClinVar aggregate classification (germline): Benign/Likely benign. Review status: criteria provided, multiple submitters, no conflicts (2 of 4 stars). 3 submissions from 3 submitters: Benign (1); Likely benign (2). Last evaluated 2026-01-11.

Conditions:
Hereditary cancer-predisposing syndrome. Also called: Hereditary neoplastic syndrome; Tumor predisposition; Neoplastic Syndromes, Hereditary; Hereditary Cancer Syndrome. Identifiers: Orphanet 140162, MedGen C0027672, MeSH D009386, MONDO:0015356.
Familial adenomatous polyposis 1 (FAP1). Also called: FAMILIAL ADENOMATOUS POLYPOSIS 1, ATTENUATED; POLYPOSIS, ADENOMATOUS INTESTINAL. Identifiers: MedGen C2713442, MONDO:0021056, OMIM 175100. Disease mechanism: loss of function.

Submissions (3):

Labcorp Genetics (formerly Invitae), Labcorp
Classification: Benign for Familial adenomatous polyposis 1. Last evaluated: 2026-01-11. Review status: criteria provided, single submitter. Criteria: Invitae Variant Classification Sherloc (09022015). Collection method: clinical testing. Allele origin: germline.

Color Diagnostics, LLC DBA Color Health
Classification: Likely benign for Hereditary cancer-predisposing syndrome. Last evaluated: 2019-09-30. Review status: criteria provided, single submitter. Criteria: ACMG Guidelines, 2015. Collection method: clinical testing. Allele origin: germline.

GeneDx
Classification: Likely benign. Last evaluated: 2015-12-01. Review status: criteria provided, single submitter. Criteria: GeneDx Variant Classification (06012015). Collection method: clinical testing. Allele origin: germline. Affected: yes.
Comment: This variant is considered likely benign or benign based on one or more of the following criteria: it is a conservative change, it occurs at a poorly conserved position in the protein, it is predicted to be benign by multiple in silico algorithms, and/or has population frequency not consistent with disease.

NM_000038.6(APC):c.1408+20del

Gene: APC (APC regulator of Wnt signaling pathway; plus strand). Cytogenetic location: 5q22.2.
Variant type: Deletion.
Coding change: c.1408+20del on transcript NM_000038.6 (MANE Select); 20 bases into the intron after coding-DNA position 1408, one base deleted (T; older notation c.1408+20delT).
Molecular consequence: intron variant.
Genome position (GRCh38, 1-based): chr5:112,822,011, T deleted; the last of 6 consecutive T bases (chr5:112,822,006-112,822,011); deleting any one gives the same sequence. VCF-style (leftmost placement, unchanged base first): chr5-112822005-GT-G. GRCh37 (hg19) VCF-style: chr5-112157702-GT-G.
Other names: c.1408+20delT (NM_000038.5); c.1408+20del (NM_001354895.2, NM_001127510.3, NM_001354896.2); c.1438+20del (NM_001354897.2); c.1135+20del (NM_001354902.2); c.1354+20del (NM_001127511.3); c.1333+20del (NM_001354898.2); c.1030+20del (NM_001354904.2); c.559+20del (NM_001354906.2); and 4 more.
Identifiers: ClinVar variation 420242 (VCV000420242.11), dbSNP rs772486710, ClinGen allele CA027360.